The following is an entry in ClinVar:

NM_005204.4(MAP3K8):c.1250T>A (p.Leu417Gln)

Gene: MAP3K8 (mitogen-activated protein kinase kinase kinase 8; plus strand). Cytogenetic location: 10p11.23.
Variant type: single nucleotide variant.
Coding change: c.1250T>A on transcript NM_005204.4 (MANE Select); coding-DNA position 1250, T replaced by A.
Protein change: p.Leu417Gln; replaces leucine 417 with glutamine.
Molecular consequence: missense variant.
Genome position (GRCh38, 1-based): chr10:30,459,478, T>A. VCF-style: chr10-30459478-T-A. GRCh37 (hg19) VCF-style: chr10-30748407-T-A.
Other names: c.1250T>A, p.Leu417Gln (NM_001244134.1, NM_001320961.2); short protein forms L417Q.
Identifiers: ClinVar variation 2724195 (VCV002724195.3), dbSNP rs2538582947, ClinGen allele CA376432715.

ClinVar aggregate classification (germline): Uncertain significance (1 of 4 stars; one submission).

Submission:

Labcorp Genetics (formerly Invitae), Labcorp
Classification: Uncertain significance. Last evaluated: 2024-04-15. Review status: criteria provided, single submitter. Criteria: Invitae Variant Classification Sherloc (09022015). Collection method: clinical testing. Allele origin: germline.
Comment: This sequence change replaces leucine, which is neutral and non-polar, with glutamine, which is neutral and polar, at codon 417 of the MAP3K8 protein (p.Leu417Gln). This variant is not present in population databases (gnomAD no frequency). This variant has not been reported in the literature in individuals affected with MAP3K8-related conditions. An algorithm developed to predict the effect of missense changes on protein structure and function (PolyPhen-2) suggests that this variant is likely to be disruptive. In summary, the available evidence is currently insufficient to determine the role of this variant in disease. Therefore, it has been classified as a Variant of Uncertain Significance.